The following is an entry in ClinVar:

ClinVar aggregate classification (germline): Pathogenic. Review status: criteria provided, multiple submitters, no conflicts (2 of 4 stars). 2 submissions from 2 submitters: Pathogenic (2). Last evaluated 2026-01-14.

Conditions:
Autosomal recessive HSPG2-related disorders.

Allele frequency attached by ClinVar (database versions not stated): gnomAD exomes 0.00001; ExAC 0.00001; gnomAD 0.00001; TOPMed 0.00003.
gnomAD v4.1: 10 of 1,614,024 alleles (0.00062%); highest among the groups gnomAD compares: South Asian, 0.0066%; no homozygotes.

Submissions (2):

Variantyx, Inc.
Classification: Pathogenic for Autosomal recessive HSPG2-related disorders. Last evaluated: 2026-01-14. Review status: criteria provided, single submitter. Criteria: Variantyx Assertion Criteria 2022. Collection method: clinical testing. Allele origin: germline. Inheritance: Autosomal recessive inheritance.
Comment: This is a nonsense variant in the HSPG2 gene (OMIM: 142461). Pathogenic variants in this gene have been associated with autosomal recessive HSPG2-related disorders. This variant introduces a premature termination codon in exon 44 out of 97. It is expected to result in loss of function, which is a known disease mechanism for HSPG2 in this disorder (PMID: 11279527, 16927315, 20542149, 23836246) (PVS1). The clinical symptoms reported for this individual are highly specific for autosomal recessive HSPG2-related disorders, which have a limited genetic etiology (PMID: 11101850, 11279527) (PP4). This variant has a 0.0066% maximum allele frequency in non-founder control populations (PM2). Based on the current evidence, this variant is classified as pathogenic for autosomal recessive HSPG2-related disorders.

Labcorp Genetics (formerly Invitae), Labcorp
Classification: Pathogenic. Last evaluated: 2025-05-04. Review status: criteria provided, single submitter. Criteria: Invitae Variant Classification Sherloc (09022015). Collection method: clinical testing. Allele origin: germline.
Comment: This sequence change creates a premature translational stop signal (p.Arg1817*) in the HSPG2 gene. It is expected to result in an absent or disrupted protein product. Loss-of-function variants in HSPG2 are known to be pathogenic (PMID: 11279527, 16927315, 20542149, 23836246). This variant is present in population databases (rs759141433, gnomAD 0.003%). This variant has not been reported in the literature in individuals affected with HSPG2-related conditions. ClinVar contains an entry for this variant (Variation ID: 1393444). For these reasons, this variant has been classified as Pathogenic.

Literature cited by the submitters: PubMed 11279527 (cited by Variantyx, Inc. and Labcorp Genetics (formerly Invitae), Labcorp); PubMed 16927315 (cited by Variantyx, Inc. and Labcorp Genetics (formerly Invitae), Labcorp); PubMed 20542149 (cited by Variantyx, Inc. and Labcorp Genetics (formerly Invitae), Labcorp); PubMed 23836246 (cited by Variantyx, Inc. and Labcorp Genetics (formerly Invitae), Labcorp).

NM_005529.7(HSPG2):c.5449C>T (p.Arg1817Ter)

Gene: HSPG2 (heparan sulfate proteoglycan 2; minus strand). Cytogenetic location: 1p36.12.
Variant type: single nucleotide variant.
Coding change: c.5449C>T on transcript NM_005529.7 (MANE Select); coding-DNA position 5449, C replaced by T.
Protein change: p.Arg1817Ter; replaces arginine 1817 with a stop codon.
Molecular consequence: nonsense.
Genome position (GRCh38, 1-based): chr1:21,857,141, G>A on the plus strand (C>T on the coding strand, the complement: HSPG2 is on the minus strand). VCF-style: chr1-21857141-G-A. GRCh37 (hg19) VCF-style: chr1-22183634-G-A.
Other names: c.5452C>T, p.Arg1818Ter (NM_001291860.2); short protein forms R1817*, R1818*.
Identifiers: ClinVar variation 1393444 (VCV001393444.7), dbSNP rs759141433, ClinGen allele CA671924.